The following is an entry in ClinVar:

NM_003735.3(PCDHGA12):c.1869G>A (p.Thr623=)

Genes: PCDHG@ (protocadherin gamma cluster; plus strand), PCDHGA1 (protocadherin gamma subfamily A, 1; plus strand), PCDHGA10 (protocadherin gamma subfamily A, 10; plus strand), PCDHGA11 (protocadherin gamma subfamily A, 11; plus strand), PCDHGA12 (protocadherin gamma subfamily A, 12; plus strand) and 15 more. Cytogenetic location: 5q31.3.
Variant type: single nucleotide variant.
Coding change: c.1869G>A on transcript NM_003735.3 (MANE Select); coding-DNA position 1869, G replaced by A.
Protein change: p.Thr623=; no amino-acid change (threonine 623 retained).
Molecular consequence: synonymous variant. On other transcripts: intron variant (19).
Genome position (GRCh38, 1-based): chr5:141,432,628, G>A. VCF-style: chr5-141432628-G-A. GRCh37 (hg19) VCF-style: chr5-140812195-G-A.
Other names: c.2433+8968G>A (NM_018914.3); c.1878+9523G>A (NM_032092.2); c.2410-62179G>A (NM_018922.3); c.2515-62179G>A (NM_018917.4); c.2422-62179G>A (NM_018923.3, NM_018918.3, NM_018912.3); c.2415+59819G>A (NM_018924.5); c.2424+56121G>A (NM_018919.3); c.2424+47305G>A (NM_018920.4); and 9 more.
Identifiers: ClinVar variation 2618431 (VCV002618431.3), dbSNP rs200715621, ClinGen allele CA3477043.

ClinVar aggregate classification (germline): Likely benign. Review status: criteria provided, multiple submitters, no conflicts (2 of 4 stars). 2 submissions from 2 submitters: Likely benign (2). Last evaluated 2026-08-01.

Allele frequency attached by ClinVar (database versions not stated): ExAC 0.00009; gnomAD 0.00019; TOPMed 0.00022; ESP Exome Variant Server 0.00023; gnomAD exomes 0.00034.
gnomAD v4.1: 515 of 1,611,902 alleles (0.032%); highest among the groups gnomAD compares: Non-Finnish European, 0.042%; no homozygotes.

Submissions (2):

CeGaT Center for Human Genetics Tuebingen
Classification: Likely benign. Last evaluated: 2026-08-01. Review status: criteria provided, single submitter. Criteria: CeGaT Center For Human Genetics Tuebingen Variant Classification Criteria Version 2. Collection method: clinical testing. Allele origin: germline. Affected: yes. Observed: 1 variant allele.
Comment: PCDHGA12: BP4, BP7

Ambry Genetics
Classification: Likely benign. Last evaluated: 2023-08-14. Review status: criteria provided, single submitter. Criteria: Ambry Variant Classification Scheme 2023. Collection method: clinical testing. Allele origin: germline.